The following is an entry in ClinVar:

ClinVar aggregate classification (germline): Uncertain significance (1 of 4 stars; one submission).

Conditions:
Familial adenomatous polyposis 1 (FAP1). Also called: POLYPOSIS, ADENOMATOUS INTESTINAL; FAMILIAL ADENOMATOUS POLYPOSIS 1, ATTENUATED. Identifiers: MedGen C2713442, MONDO:0021056, OMIM 175100. Disease mechanism: loss of function.

Submission:

Labcorp Genetics (formerly Invitae), Labcorp
Classification: Uncertain significance for Familial adenomatous polyposis 1. Last evaluated: 2020-12-31. Review status: criteria provided, single submitter. Criteria: Invitae Variant Classification Sherloc (09022015). Collection method: clinical testing. Allele origin: germline.
Comment: This variant occurs in a non-coding region of the APC gene. It does not change the encoded amino acid sequence of the APC protein. The frequency data for this variant in the population databases is considered unreliable, as metrics indicate insufficient coverage at this position in the ExAC database. This variant has not been reported in the literature in individuals with APC-related conditions. Experimental studies and prediction algorithms are not available or were not evaluated, and the functional significance of this variant is currently unknown. In summary, the available evidence is currently insufficient to determine the role of this variant in disease. Therefore, it has been classified as a Variant of Uncertain Significance.

NC_000005.10:g.112707450G>A

Gene: APC (APC regulator of Wnt signaling pathway; plus strand). Cytogenetic location: 5q22.2.
Variant type: single nucleotide variant.
Genome position: GRCh38 VCF-style: chr5-112707450-G-A. GRCh37 (hg19) VCF-style: chr5-112043147-G-A.
Identifiers: ClinVar variation 1920854 (VCV001920854.3), dbSNP rs2531733262, ClinGen allele CA2580072249.